The following is an entry in ClinVar:

NM_012330.4(KAT6B):c.3559C>T (p.Pro1187Ser)

Gene: KAT6B (lysine acetyltransferase 6B; plus strand). Cytogenetic location: 10q22.2.
Variant type: single nucleotide variant.
Coding change: c.3559C>T on transcript NM_012330.4 (MANE Select); coding-DNA position 3559, C replaced by T.
Protein change: p.Pro1187Ser; replaces proline 1187 with serine.
Molecular consequence: missense variant.
Genome position (GRCh38, 1-based): chr10:75,025,144, C>T. VCF-style: chr10-75025144-C-T. GRCh37 (hg19) VCF-style: chr10-76784902-C-T.
Other names: c.3010C>T, p.Pro1004Ser (NM_001256468.2, NM_001370138.1); c.2683C>T, p.Pro895Ser (NM_001256469.2, NM_001370139.1, NM_001370140.1 and 2 more transcripts); c.2521C>T, p.Pro841Ser (NM_001370132.1); c.1870C>T, p.Pro624Ser (NM_001370133.1); c.1474C>T, p.Pro492Ser (NM_001370134.1); c.1216C>T, p.Pro406Ser (NM_001370135.1); c.3559C>T, p.Pro1187Ser (NM_001370136.1, NM_001370137.1); c.2494C>T, p.Pro832Ser (NM_001370143.1, NM_001370144.1); short protein forms P1004S, P841S, P1187S, P624S, P895S, P492S, P832S, P406S.
Identifiers: ClinVar variation 1489769 (VCV001489769.5), dbSNP rs370725802, ClinGen allele CA5564850.

ClinVar aggregate classification (germline): Uncertain significance (1 of 4 stars; one submission).

Conditions:
Genitopatellar syndrome (GTPTS). Also called: Genitopatellar syndrome (GPS); ABSENT PATELLAE, SCROTAL HYPOPLASIA, RENAL ANOMALIES, FACIAL DYSMORPHISM, AND MENTAL RETARDATION. Identifiers: Orphanet 85201, MedGen C1853566, MONDO:0011640, OMIM 606170.

Allele frequency attached by ClinVar (database versions not stated): gnomAD 0.00005 and 0.00006; TOPMed 0.00005; ESP Exome Variant Server 0.00008.
gnomAD v4.1: 43 of 1,614,000 alleles (0.0027%); highest among the groups gnomAD compares: Non-Finnish European, 0.0034%; no homozygotes.

Submission:

Labcorp Genetics (formerly Invitae), Labcorp
Classification: Uncertain significance for Genitopatellar syndrome. Last evaluated: 2025-01-07. Review status: criteria provided, single submitter. Criteria: Invitae Variant Classification Sherloc (09022015). Collection method: clinical testing. Allele origin: germline.
Comment: This sequence change replaces proline, which is neutral and non-polar, with serine, which is neutral and polar, at codon 1187 of the KAT6B protein (p.Pro1187Ser). This variant is present in population databases (rs370725802, gnomAD 0.005%). This variant has not been reported in the literature in individuals affected with KAT6B-related conditions. ClinVar contains an entry for this variant (Variation ID: 1489769). An algorithm developed to predict the effect of missense changes on protein structure and function (PolyPhen-2) suggests that this variant¬†is likely to be tolerated. In summary, the available evidence is currently insufficient to determine the role of this variant in disease. Therefore, it has been classified as a Variant of Uncertain Significance.